The following is an entry in ClinVar:

ClinVar aggregate classification (germline): Pathogenic. Review status: criteria provided, multiple submitters, no conflicts (2 of 4 stars). 2 submissions from 2 submitters: Pathogenic (2). Last evaluated 2022-05-11.

Conditions:
Hereditary nonpolyposis colorectal neoplasms. Identifiers: MedGen C0009405, MeSH D003123.

Submissions (2):

Labcorp Genetics (formerly Invitae), Labcorp
Classification: Pathogenic for Hereditary nonpolyposis colorectal neoplasms. Last evaluated: 2022-05-11. Review status: criteria provided, single submitter. Criteria: Invitae Variant Classification Sherloc (09022015). Collection method: clinical testing. Allele origin: germline.
Comment: ClinVar contains an entry for this variant (Variation ID: 421273). For these reasons, this variant has been classified as Pathogenic. This variant has not been reported in the literature in individuals affected with MSH6-related conditions. This variant is not present in population databases (gnomAD no frequency). This sequence change creates a premature translational stop signal (p.Val1253Profs*25) in the MSH6 gene. It is expected to result in an absent or disrupted protein product. Loss-of-function variants in MSH6 are known to be pathogenic (PMID: 18269114, 24362816).

GeneDx
Classification: Pathogenic. Last evaluated: 2016-05-25. Review status: criteria provided, single submitter. Criteria: GeneDx Variant Classification (06012015). Collection method: clinical testing. Allele origin: germline. Affected: yes.
Comment: This duplication of 10 nucleotides in MSH6 is denoted c.3744_3753dup10 at the cDNA level and p.Val1253ProfsX25 (V1253PfsX25) at the protein level. The surrounding sequence is CTCA[dup10]TTAG. The duplication causes a frameshift which changes a Valine to a Proline at codon 1253, and creates a premature stop codon at position 25 of the new reading frame. Although this variant has not, to our knowledge, been reported in the literature, it is predicted to cause loss of normal protein function through either protein truncation or nonsense-mediated mRNA decay. We consider this variant to be pathogenic.

Literature cited by the submitters: PubMed 18269114 (cited by Labcorp Genetics (formerly Invitae), Labcorp); PubMed 24362816 (cited by Labcorp Genetics (formerly Invitae), Labcorp).

NM_000179.3(MSH6):c.3744_3753dup (p.Val1253fs)

Gene: MSH6 (mutS homolog 6; plus strand). Cytogenetic location: 2p16.3.
Variant type: Duplication.
Coding change: c.3744_3753dup on transcript NM_000179.3 (MANE Select); coding-DNA positions 3744 to 3753, 10 bases duplicated (CTACCATTCA; older notation c.3744_3753dupCTACCATTCA).
Protein change: p.Val1253fs; shifts the reading frame from valine 1253.
Molecular consequence: frameshift variant.
Genome position (GRCh38, 1-based): chr2:47,806,301-47,806,310, CTACCATTCA duplicated; duplicating any 10 consecutive bases within chr2:47,806,298-47,806,310 gives the same sequence; the c. name uses the placement nearest the transcript's 3' end. VCF-style (leftmost placement, unchanged base first): chr2-47806297-C-CTCACTACCAT. GRCh37 (hg19) VCF-style: chr2-48033436-C-CTCACTACCAT.
Other names: c.3744_3753dupCTACCATTCA (NM_000179.2); c.3354_3363dup, p.Val1123fs (NM_001281492.2); c.2838_2847dup, p.Val951fs (NM_001281493.2, NM_001281494.2); short protein forms V1123fs, V1253fs, V951fs.
Identifiers: ClinVar variation 421273 (VCV000421273.7), dbSNP rs1553333078, ClinGen allele CA16617709.